The following is an entry in ClinVar:

ClinVar aggregate classification (germline): Uncertain significance (1 of 4 stars; one submission).

Conditions:
Severe combined immunodeficiency due to DNA-PKcs deficiency. Also called: IMMUNODEFICIENCY 26 WITH NEUROLOGIC ABNORMALITIES; Immunodeficiency 26 with or without neurologic abnormalities. Identifiers: Orphanet 317425, MedGen C4014833, MONDO:0014423, OMIM 615966.

Submission:

Labcorp Genetics (formerly Invitae), Labcorp
Classification: Uncertain significance for Severe combined immunodeficiency due to DNA-PKcs deficiency. Last evaluated: 2020-07-16. Review status: criteria provided, single submitter. Criteria: Invitae Variant Classification Sherloc (09022015). Collection method: clinical testing. Allele origin: germline.
Comment: In summary, the available evidence is currently insufficient to determine the role of this variant in disease. Therefore, it has been classified as a Variant of Uncertain Significance. Nucleotide substitutions within the consensus splice site are a relatively common cause of aberrant splicing (PMID: 17576681, 9536098). Experimental studies and prediction algorithms are not available or were not evaluated, and the effect of this variant on mRNA splicing is currently unknown. This variant has not been reported in the literature in individuals with PRKDC-related conditions. This variant is not present in population databases (ExAC no frequency). This sequence change falls in intron 4 of the PRKDC gene. It does not directly change the encoded amino acid sequence of the PRKDC protein, but it affects a nucleotide within the consensus splice site of the intron.

Literature cited by the submitters: PubMed 17576681; PubMed 9536098.

NM_006904.7(PRKDC):c.399+5_399+6del

Gene: PRKDC (protein kinase, DNA-activated, catalytic subunit; minus strand). Cytogenetic location: 8q11.21.
Variant type: Deletion.
Coding change: c.399+5_399+6del on transcript NM_006904.7 (MANE Select); bases 5 to 6 of the intron after coding-DNA position 399, 2 bases deleted (TT; older notation c.399+5_399+6delTT).
Molecular consequence: intron variant.
Genome position (GRCh38, 1-based): chr8:47,955,868-47,955,869, AA deleted on the plus strand (TT on the coding strand, the reverse complement: PRKDC is on the minus strand). VCF-style (leftmost placement, unchanged base first): chr8-47955867-TAA-T. GRCh37 (hg19) VCF-style: chr8-48868427-TAA-T.
Other names: c.399+5_399+6del (NM_001081640.2).
Identifiers: ClinVar variation 1011391 (VCV001011391.6), dbSNP rs2090692534, ClinGen allele CA1781896390.
Genomic context (GRCh38, chr8:47,955,867, plus strand): 5'-AAACTCTGATTTTCTTTTAAAAGTTACATGTTTAATGTAAAATACGTGTACTTAGAAACA[TAA>T]TTACCTTAATAAGAAGGTCCAGGGCTGGAATTTTACATTTAGCAGCTCTATCTTTTGTAT-3'